The following is an entry in ClinVar:

NM_006265.3(RAD21):c.1460C>T (p.Pro487Leu)

Gene: RAD21 (RAD21 cohesin complex component; minus strand). Cytogenetic location: 8q24.11.
Variant type: single nucleotide variant.
Coding change: c.1460C>T on transcript NM_006265.3 (MANE Select); coding-DNA position 1460, C replaced by T.
Protein change: p.Pro487Leu; replaces proline 487 with leucine.
Molecular consequence: missense variant.
Genome position (GRCh38, 1-based): chr8:116,851,958, G>A on the plus strand (C>T on the coding strand, the complement: RAD21 is on the minus strand). VCF-style: chr8-116851958-G-A. GRCh37 (hg19) VCF-style: chr8-117864197-G-A.
Other names: short protein forms P487L.
Identifiers: ClinVar variation 3429436 (VCV003429436.3).

ClinVar aggregate classification (germline): Uncertain significance. Review status: criteria provided, multiple submitters, no conflicts (2 of 4 stars). 2 submissions from 2 submitters: Uncertain significance (2). Last evaluated 2024-12-28.

Conditions:
Cornelia de Lange syndrome 4 (CDLS4). Also called: RAD21-Related Cornelia de Lange Syndrome; CORNELIA DE LANGE SYNDROME 4 WITH OR WITHOUT MIDLINE BRAIN DEFECTS. Identifiers: Orphanet 199, MedGen C3553517, MONDO:0013864, OMIM 614701.
Inborn genetic diseases. Identifiers: MedGen C0950123, MeSH D030342.

gnomAD v4.1: 30 of 1,607,786 alleles (0.0019%); highest among the groups gnomAD compares: Non-Finnish European, 0.0026%; no homozygotes.

Submissions (2):

Labcorp Genetics (formerly Invitae), Labcorp
Classification: Uncertain significance for Cornelia de Lange syndrome 4. Last evaluated: 2024-12-28. Review status: criteria provided, single submitter. Criteria: Invitae Variant Classification Sherloc (09022015). Collection method: clinical testing. Allele origin: germline.
Comment: This sequence change replaces proline, which is neutral and non-polar, with leucine, which is neutral and non-polar, at codon 487 of the RAD21 protein (p.Pro487Leu). This variant is present in population databases (no rsID available, gnomAD 0.004%). This variant has not been reported in the literature in individuals affected with RAD21-related conditions. Invitae Evidence Modeling of protein sequence and biophysical properties (such as structural, functional, and spatial information, amino acid conservation, physicochemical variation, residue mobility, and thermodynamic stability) has been performed for this missense variant. However, the output from this modeling did not meet the statistical confidence thresholds required to predict the impact of this variant on RAD21 protein function. In summary, the available evidence is currently insufficient to determine the role of this variant in disease. Therefore, it has been classified as a Variant of Uncertain Significance.

Ambry Genetics
Classification: Uncertain significance for Inborn genetic diseases. Last evaluated: 2024-10-07. Review status: criteria provided, single submitter. Criteria: Ambry Variant Classification Scheme 2023. Collection method: clinical testing. Allele origin: germline.